The following is an entry in ClinVar:

ClinVar aggregate classification (germline): Uncertain significance. Review status: criteria provided, multiple submitters, no conflicts (2 of 4 stars). 2 submissions from 2 submitters: Uncertain significance (2). Last evaluated 2024-01-15.

Conditions:
Renal coloboma syndrome (PAPRS). Also called: COLOBOMA OF OPTIC NERVE WITH RENAL DISEASE; PAPILLORENAL SYNDROME WITH MILD OCULAR ABNORMALITIES; OPTIC COLOBOMA, VESICOURETERAL REFLUX, AND RENAL ANOMALIES; OPTIC NERVE COLOBOMA WITH RENAL DISEASE; RENAL-COLOBOMA SYNDROME WITH MACULAR ABNORMALITIES; PAPILLORENAL SYNDROME. Identifiers: Orphanet 1475, MedGen C1852759, MONDO:0007352, OMIM 120330.
Focal segmental glomerulosclerosis 7 (FSGS7). Identifiers: Orphanet 656, MedGen C4014925, MONDO:0014451, OMIM 616002.

Allele frequency attached by ClinVar (database versions not stated): gnomAD 0.00001.
gnomAD v4.1: 4 of 1,613,918 alleles (0.00025%); highest among the groups gnomAD compares: Non-Finnish European, 0.00034%; no homozygotes.

Submissions (2):

Blueprint Genetics
Classification: Uncertain significance. Last evaluated: 2024-01-15. Review status: criteria provided, single submitter. Criteria: ACMG Guidelines, 2015. Collection method: clinical testing. Allele origin: germline.

Labcorp Genetics (formerly Invitae), Labcorp
Classification: Uncertain significance for Renal coloboma syndrome; Focal segmental glomerulosclerosis 7. Last evaluated: 2023-12-14. Review status: criteria provided, single submitter. Criteria: Invitae Variant Classification Sherloc (09022015). Collection method: clinical testing. Allele origin: germline.
Comment: This sequence change replaces arginine, which is basic and polar, with cysteine, which is neutral and slightly polar, at codon 203 of the PAX2 protein (p.Arg203Cys). This variant is not present in population databases (gnomAD no frequency). This variant has not been reported in the literature in individuals affected with PAX2-related conditions. An algorithm developed to predict the effect of missense changes on protein structure and function (PolyPhen-2) suggests that this variant is likely to be disruptive. In summary, the available evidence is currently insufficient to determine the role of this variant in disease. Therefore, it has been classified as a Variant of Uncertain Significance.

NM_000278.5(PAX2):c.607C>T (p.Arg203Cys)

Gene: PAX2 (paired box 2; plus strand). Cytogenetic location: 10q24.31.
Variant type: single nucleotide variant.
Coding change: c.607C>T on transcript NM_000278.5 (MANE Select); coding-DNA position 607, C replaced by T.
Protein change: p.Arg203Cys; replaces arginine 203 with cysteine.
Molecular consequence: missense variant.
Genome position (GRCh38, 1-based): chr10:100,781,356, C>T. VCF-style: chr10-100781356-C-T. GRCh37 (hg19) VCF-style: chr10-102541113-C-T.
Other names: c.700C>T, p.Arg234Cys (NM_001304569.2); c.607C>T, p.Arg203Cys (NM_003987.5, NM_003988.5, NM_003989.5 and 1 more transcripts); short protein forms R203C, R234C.
Identifiers: ClinVar variation 2924756 (VCV002924756.4), dbSNP rs751365925, ClinGen allele CA213066810.